The following is an entry in ClinVar:

NM_007194.4(CHEK2):c.1411C>A (p.Pro471Thr)

Gene: CHEK2 (checkpoint kinase 2; minus strand). Cytogenetic location: 22q12.1.
Variant type: single nucleotide variant.
Coding change: c.1411C>A on transcript NM_007194.4 (MANE Select); coding-DNA position 1411, C replaced by A.
Protein change: p.Pro471Thr; replaces proline 471 with threonine.
Molecular consequence: missense variant.
Genome position (GRCh38, 1-based): chr22:28,694,082, G>T on the plus strand (C>A on the coding strand, the complement: CHEK2 is on the minus strand). VCF-style: chr22-28694082-G-T. GRCh37 (hg19) VCF-style: chr22-29090070-G-T.
Other names: c.1540C>A, p.Pro514Thr (NM_001005735.3); c.748C>A, p.Pro250Thr (NM_001257387.3); c.1210C>A, p.Pro404Thr (NM_001349956.3); c.1324C>A, p.Pro442Thr (NM_145862.3); short protein forms P471T, P404T, P442T, P250T, P514T.
Identifiers: ClinVar variation 942677 (VCV000942677.10), dbSNP rs2052470634, ClinGen allele CA411094333.

ClinVar aggregate classification (germline): Uncertain significance (1 of 4 stars; one submission).

Conditions:
Familial cancer of breast. Also called: hereditary breast carcinoma; BREAST CANCER, FAMILIAL; Hereditary breast cancer. Identifiers: Orphanet 227535, MedGen C0346153, MONDO:0016419, OMIM 114480. Disease mechanism: loss of function.

Submission:

Labcorp Genetics (formerly Invitae), Labcorp
Classification: Uncertain significance for Familial cancer of breast. Last evaluated: 2019-08-31. Review status: criteria provided, single submitter. Criteria: Invitae Variant Classification Sherloc (09022015). Collection method: clinical testing. Allele origin: germline.
Comment: This sequence change replaces proline with threonine at codon 471 of the CHEK2 protein (p.Pro471Thr). The proline residue is highly conserved and there is a small physicochemical difference between proline and threonine. This variant is not present in population databases (ExAC no frequency). This variant has not been reported in the literature in individuals with CHEK2-related conditions. Algorithms developed to predict the effect of missense changes on protein structure and function are either unavailable or do not agree on the potential impact of this missense change (SIFT: "Deleterious"; PolyPhen-2: "Probably Damaging"; Align-GVGD: "Class C0"). In summary, the available evidence is currently insufficient to determine the role of this variant in disease. Therefore, it has been classified as a Variant of Uncertain Significance.